The following is an entry in ClinVar:

NC_000003.12:g.(?_149129714)_(149129950_?)del

Gene: HPS3 (HPS3 biogenesis of lysosomal organelles complex 2 subunit 1; plus strand). Cytogenetic location: 3q24.
Variant type: Deletion.
Identifiers: ClinVar variation 660678 (VCV000660678.2).

ClinVar aggregate classification (germline): Pathogenic (1 of 4 stars; one submission).

Submission:

Labcorp Genetics (formerly Invitae), Labcorp
Classification: Pathogenic. Last evaluated: 2019-12-17. Review status: criteria provided, single submitter. Criteria: Invitae Variant Classification Sherloc (09022015). Collection method: clinical testing. Allele origin: germline.
Comment: This variant is a gross deletion of the genomic region encompassing exon 1 of the HPS3 gene, which includes the initiator codon. The 5' end of this event is unknown as it extends beyond the assayed region for this gene and therefore may encompass additional genes. The 3' boundary is likely confined to intron 1 of the HPS3 gene. This is expected to result in an absent or disrupted protein product. A similar deletion of exon 1 has been observed to segregate with Hermansky-Pudlak syndrome in a family (PMID: 11455388). Loss-of-function variants in HPS3 are known to be pathogenic (PMID: 11590544). For these reasons, this variant has been classified as Pathogenic.

Literature cited by the submitters: PubMed 11455388.